The following is an entry in ClinVar:

NM_004519.4(KCNQ3):c.386+32845T>C

Gene: KCNQ3 (potassium voltage-gated channel subfamily Q member 3; minus strand). Cytogenetic location: 8q24.22.
Variant type: single nucleotide variant.
Coding change: c.386+32845T>C on transcript NM_004519.4 (MANE Select); 32845 bases into the intron after coding-DNA position 386, T replaced by C.
Molecular consequence: intron variant.
Genome position (GRCh38, 1-based): chr8:132,447,302, A>G on the plus strand (T>C on the coding strand, the complement: KCNQ3 is on the minus strand). VCF-style: chr8-132447302-A-G. GRCh37 (hg19) VCF-style: chr8-133459549-A-G.
Identifiers: ClinVar variation 674897 (VCV000674897.2), dbSNP rs72721077, ClinGen allele CA186254754.

ClinVar aggregate classification (germline): Benign. Review status: criteria provided, multiple submitters, no conflicts (2 of 4 stars). 2 submissions from 2 submitters: Benign (2). Last evaluated 2018-06-14.

Allele frequency attached by ClinVar (database versions not stated): 1000 Genomes Project 0.05511; 1000 Genomes Project 30x 0.05543; gnomAD 0.07218 and 0.07263; TOPMed 0.07411; gnomAD exomes 0.08665.
gnomAD v4.1: 126,166 of 1,482,540 alleles (8.5%); highest among the groups gnomAD compares: Middle Eastern, 12%; 5,670 homozygotes.

Submissions (2):

GeneDx
Classification: Benign. Last evaluated: 2018-06-14. Review status: criteria provided, single submitter. Criteria: GeneDx Variant Classification (06012015). Collection method: clinical testing. Allele origin: germline. Affected: yes.
Comment: This variant is considered likely benign or benign based on one or more of the following criteria: it is a conservative change, it occurs at a poorly conserved position in the protein, it is predicted to be benign by multiple in silico algorithms, and/or has population frequency not consistent with disease.

Breakthrough Genomics
Classification: Benign. Review status: criteria provided, single submitter. Criteria: ACMG Guidelines, 2015. Collection method: not provided. Allele origin: germline. Inheritance: Autosomal dominant inheritance. Affected: yes.